The following is an entry in ClinVar:

NM_001130021.3(ATP6V0A1):c.1590G>A (p.Thr530=)

Gene: ATP6V0A1 (ATPase H+ transporting V0 subunit a1; plus strand). Cytogenetic location: 17q21.2.
Variant type: single nucleotide variant.
Coding change: c.1590G>A on transcript NM_001130021.3 (MANE Select); coding-DNA position 1590, G replaced by A.
Protein change: p.Thr530=; no amino-acid change (threonine 530 retained).
Molecular consequence: synonymous variant.
Genome position (GRCh38, 1-based): chr17:42,498,953, G>A. VCF-style: chr17-42498953-G-A. GRCh37 (hg19) VCF-style: chr17-40650971-G-A.
Other names: c.1713G>A, p.Thr571= (NM_001378530.1, NM_001378533.1, NM_001378551.1 and 1 more transcripts); c.1734G>A, p.Thr578= (NM_001378531.1, NM_001378532.1); c.1611G>A, p.Thr537= (NM_001378534.1, NM_001378539.1, NM_001378541.1 and 3 more transcripts); c.1590G>A, p.Thr530= (NM_001378535.1, NM_001378537.1, NM_001378542.1 and 3 more transcripts); c.1482G>A, p.Thr494= (NM_001378536.1, NM_001378550.1, NM_001378556.1); c.1461G>A, p.Thr487= (NM_001378538.1, NM_001378540.1); c.1431G>A, p.Thr477= (NM_001378543.1); c.1380G>A, p.Thr460= (NM_001378545.1, NM_001378554.1); and 3 more.
Identifiers: ClinVar variation 5038603 (VCV005038603.1).

ClinVar aggregate classification (germline): Benign (1 of 4 stars; one submission).

gnomAD v4.1: 1,296 of 1,612,856 alleles (0.08%); highest among the groups gnomAD compares: African/African-American, 1.5%; 17 homozygotes.

Submission:

CeGaT Center for Human Genetics Tuebingen
Classification: Benign. Last evaluated: 2026-07-01. Review status: criteria provided, single submitter. Criteria: CeGaT Center For Human Genetics Tuebingen Variant Classification Criteria Version 2. Collection method: clinical testing. Allele origin: germline. Affected: yes. Observed: 1 variant allele.
Comment: ATP6V0A1: BP4, BS1, BS2